The following is an entry in ClinVar:

ClinVar aggregate classification (germline): Uncertain significance (1 of 4 stars; one submission).

Conditions:
Hajdu-Cheney syndrome (HJCYS). Also called: ACROOSTEOLYSIS WITH OSTEOPOROSIS AND CHANGES IN SKULL AND MANDIBLE; SERPENTINE FIBULA-POLYCYSTIC KIDNEY SYNDROME; Acroosteolysis dominant type. Identifiers: Orphanet 955, MedGen C0917715, MONDO:0007057, OMIM 102500.

gnomAD v4.1: 6 of 1,614,098 alleles (0.00037%); highest among the groups gnomAD compares: Admixed American, 0.0017%; no homozygotes.

Submission:

Labcorp Genetics (formerly Invitae), Labcorp
Classification: Uncertain significance for Hajdu-Cheney syndrome. Last evaluated: 2025-09-25. Review status: criteria provided, single submitter. Criteria: Invitae Variant Classification Sherloc (09022015). Collection method: clinical testing. Allele origin: germline.
Comment: This sequence change replaces arginine, which is basic and polar, with tryptophan, which is neutral and slightly polar, at codon 2051 of the NOTCH2 protein (p.Arg2051Trp). This variant is present in population databases (no rsID available, gnomAD 0.003%). This variant has not been reported in the literature in individuals affected with NOTCH2-related conditions. Invitae Evidence Modeling of protein sequence and biophysical properties (such as structural, functional, and spatial information, amino acid conservation, physicochemical variation, residue mobility, and thermodynamic stability) indicates that this missense variant is not expected to disrupt NOTCH2 protein function with a negative predictive value of 80%. In summary, the available evidence is currently insufficient to determine the role of this variant in disease. Therefore, it has been classified as a Variant of Uncertain Significance.

NM_024408.4(NOTCH2):c.6151C>T (p.Arg2051Trp)

Gene: NOTCH2 (notch receptor 2; minus strand). Cytogenetic location: 1p12.
Variant type: single nucleotide variant.
Coding change: c.6151C>T on transcript NM_024408.4 (MANE Select); coding-DNA position 6151, C replaced by T.
Protein change: p.Arg2051Trp; replaces arginine 2051 with tryptophan.
Molecular consequence: missense variant.
Genome position (GRCh38, 1-based): chr1:119,916,571, G>A on the plus strand (C>T on the coding strand, the complement: NOTCH2 is on the minus strand). VCF-style: chr1-119916571-G-A. GRCh37 (hg19) VCF-style: chr1-120459194-G-A.
Other names: short protein forms R2051W.
Identifiers: ClinVar variation 4754847 (VCV004754847.1).